The following is an entry in ClinVar:

ClinVar aggregate classification (germline): Uncertain significance (1 of 4 stars; one submission).

Submission:

Labcorp Genetics (formerly Invitae), Labcorp
Classification: Uncertain significance. Last evaluated: 2021-06-30. Review status: criteria provided, single submitter. Criteria: Invitae Variant Classification Sherloc (09022015). Collection method: clinical testing. Allele origin: germline.
Comment: This variant is not present in population databases (ExAC no frequency). This sequence change replaces arginine with lysine at codon 539 of the CERKL protein (p.Arg539Lys). The arginine residue is moderately conserved and there is a small physicochemical difference between arginine and lysine. This variant also falls at the last nucleotide of exon 13, which is part of the consensus splice site for this exon. This variant has not been reported in the literature in individuals affected with CERKL-related conditions. Algorithms developed to predict the effect of missense changes on protein structure and function output the following: SIFT: "Tolerated"; PolyPhen-2: "Benign"; Align-GVGD: "Class C0". The lysine amino acid residue is found in multiple mammalian species, which suggests that this missense change does not adversely affect protein function. Nucleotide substitutions within the consensus splice site are a relatively common cause of aberrant splicing (PMID: 17576681, 9536098). Algorithms developed to predict the effect of sequence changes on RNA splicing suggest that this variant may disrupt the consensus splice site. In summary, the available evidence is currently insufficient to determine the role of this variant in disease. Therefore, it has been classified as a Variant of Uncertain Significance.

Literature cited by the submitters: PubMed 17576681; PubMed 9536098.

NM_201548.5(CERKL):c.1538G>A (p.Arg513Lys)

Gene: CERKL (CERK like autophagy regulator; minus strand). Cytogenetic location: 2q31.3.
Variant type: single nucleotide variant.
Coding change: c.1538G>A on transcript NM_201548.5 (MANE Select); coding-DNA position 1538, G replaced by A.
Protein change: p.Arg513Lys; replaces arginine 513 with lysine.
Molecular consequence: missense variant. On other transcripts: non-coding transcript variant (2).
Genome position (GRCh38, 1-based): chr2:181,539,092, C>T on the plus strand (G>A on the coding strand, the complement: CERKL is on the minus strand). VCF-style: chr2-181539092-C-T. GRCh37 (hg19) VCF-style: chr2-182403819-C-T.
Other names: c.1616G>A, p.Arg539Lys (NM_001030311.3); c.1199G>A, p.Arg400Lys (NM_001030312.3); c.1331G>A, p.Arg444Lys (NM_001030313.3); c.1484G>A, p.Arg495Lys (NM_001160277.2); short protein forms R539K, R495K, R513K, R400K, R444K.
Identifiers: ClinVar variation 1403678 (VCV001403678.6), dbSNP rs1456624724, ClinGen allele CA349732915.
Genomic context (GRCh38, chr2:181,539,092, plus strand): 5'-GTTGTAATATTAGATTTATGTTTACTGGTTGACAATAAGCGGTGAAATAAATAGACTTAC[C>T]TAATATGGACCTCTGATGCAACTTCCATTAAGTCACCATCTACATTCCAAGGGAAACAAT-3'
Protein context (NP_963842.1, residues 503-523): LMEVASEVHI[Arg513Lys]LHPRLISLYG